The following is an entry in ClinVar:

ClinVar aggregate classification (germline): Uncertain significance (1 of 4 stars; one submission).

Conditions:
Hereditary cancer-predisposing syndrome. Also called: Hereditary Cancer Syndrome; Tumor predisposition; Neoplastic Syndromes, Hereditary; Hereditary neoplastic syndrome. Identifiers: Orphanet 140162, MedGen C0027672, MeSH D009386, MONDO:0015356.

Submission:

Ambry Genetics
Classification: Uncertain significance for Hereditary cancer-predisposing syndrome. Last evaluated: 2014-12-19. Review status: criteria provided, single submitter. Criteria: Ambry Variant Classification Scheme 2023. Collection method: clinical testing. Allele origin: germline.
Comment: The p.V2937M variant (also known as c.8809G>A), located in coding exon 60 of the ATM gene, results from a G to A substitution at nucleotide position 8809. The valine at codon 2937 is replaced by methionine, an amino acid with highly similar properties. This variant was not reported in population based cohorts in the following databases: Database of Single Nucleotide Polymorphisms (dbSNP), NHLBI Exome Sequencing Project (ESP), and 1000 Genomes Project. In the ESP, this variant was not observed in 6499 samples (12998 alleles) with coverage at this position. To date, this alteration has been detected with an allele frequency of approximately 0.002% (greater than 41,000 alleles tested) in our clinical cohort. This amino acid position is highly conserved in available vertebrate species. In addition, this alteration is predicted to be deleterious by in silico analysis. Since supporting evidence is limited at this time, the clinical significance of p.V2937M remains unclear.

NM_000051.4(ATM):c.8809G>A (p.Val2937Met)

Genes: ATM (ATM serine/threonine kinase; plus strand), C11orf65 (chromosome 11 open reading frame 65; minus strand). Cytogenetic location: 11q22.3.
Variant type: single nucleotide variant.
Coding change: c.8809G>A on transcript NM_000051.4 (MANE Select); coding-DNA position 8809, G replaced by A.
Protein change: p.Val2937Met; replaces valine 2937 with methionine.
Molecular consequence: missense variant. On other transcripts: intron variant (2).
Genome position (GRCh38, 1-based): chr11:108,354,833, G>A. VCF-style: chr11-108354833-G-A. GRCh37 (hg19) VCF-style: chr11-108225560-G-A.
Other names: c.8809G>A, p.Val2937Met (NM_001351834.2); c.640+31087C>T (NM_001330368.2); c.695-19541C>T (NM_001351110.2); short protein forms V2937M.
Identifiers: ClinVar variation 187681 (VCV000187681.7), dbSNP rs786203917, ClinGen allele CA198286.